The following is an entry in ClinVar:

ClinVar aggregate classification (germline): Uncertain significance (1 of 4 stars; one submission).

Conditions:
Adenylosuccinate lyase deficiency (ADSLD). Also called: ADSL DEFICIENCY. Identifiers: Orphanet 46, MedGen C0268126, MONDO:0007068, OMIM 103050.

Submission:

Labcorp Genetics (formerly Invitae), Labcorp
Classification: Uncertain significance for Adenylosuccinate lyase deficiency. Last evaluated: 2025-03-07. Review status: criteria provided, single submitter. Criteria: Invitae Variant Classification Sherloc (09022015). Collection method: clinical testing. Allele origin: germline.
Comment: This variant occurs in a non-coding region of the ADSL gene. It does not change the encoded amino acid sequence of the ADSL protein. This variant is not present in population databases (gnomAD no frequency). This variant has not been reported in the literature in individuals affected with ADSL-related conditions. Experimental studies and prediction algorithms are not available or were not evaluated, and the functional significance of this variant is currently unknown. In summary, the available evidence is currently insufficient to determine the role of this variant in disease. Therefore, it has been classified as a Variant of Uncertain Significance.

NC_000022.11:g.40346011A>G

Gene: ADSL (adenylosuccinate lyase; plus strand). Cytogenetic location: 22q13.1.
Variant type: single nucleotide variant.
Genome position: GRCh38 VCF-style: chr22-40346011-A-G. GRCh37 (hg19) VCF-style: chr22-40742015-A-G.
Identifiers: ClinVar variation 2123542 (VCV002123542.5), dbSNP rs369496059, ClinGen allele CA324446491.